The following is an entry in ClinVar:

ClinVar aggregate classification (germline): Pathogenic. Review status: criteria provided, single submitter (1 of 4 stars). 2 submissions from 2 submitters: Pathogenic (1). 1 of the submissions does not count toward it. Last evaluated 2024-12-31.

Conditions:
Marbach-Schaaf neurodevelopmental syndrome (MASNS). Identifiers: Orphanet 692173, MedGen C5562050, MONDO:0859214, OMIM 619680.

Allele frequency attached by ClinVar (database versions not stated): TOPMed 0.00001.

Submissions (2):

GeneDx
Classification: Pathogenic. Last evaluated: 2024-12-31. Review status: criteria provided, single submitter. Criteria: GeneDx Variant Classification Process June 2021. Collection method: clinical testing. Allele origin: germline.
Comment: Not observed at significant frequency in large population cohorts (gnomAD); In silico analysis supports that this missense variant has a deleterious effect on protein structure/function; Has not been previously published as pathogenic or benign to our knowledge

Clinical Genetics Laboratory, University Hospital Schleswig-Holstein
Classification: Uncertain significance for Marbach-Schaaf neurodevelopmental syndrome. Last evaluated: 2024-02-08. Review status: no assertion criteria provided. Collection method: clinical testing. Allele origin: germline. Affected: yes. Not counted in ClinVar's aggregate classification.

NM_001164760.2(PRKAR1B):c.917G>A (p.Arg306Gln)

Gene: PRKAR1B (protein kinase cAMP-dependent type I regulatory subunit beta; minus strand). Cytogenetic location: 7p22.3.
Variant type: single nucleotide variant.
Coding change: c.917G>A on transcript NM_001164760.2 (MANE Select); coding-DNA position 917, G replaced by A.
Protein change: p.Arg306Gln; replaces arginine 306 with glutamine.
Molecular consequence: missense variant.
Genome position (GRCh38, 1-based): chr7:551,445, C>T on the plus strand (G>A on the coding strand, the complement: PRKAR1B is on the minus strand). VCF-style: chr7-551445-C-T. GRCh37 (hg19) VCF-style: chr7-591082-C-T.
Other names: c.917G>A, p.Arg306Gln (NM_001164758.2, NM_001164759.1, NM_001164761.2 and 2 more transcripts); short protein forms R306Q.
Identifiers: ClinVar variation 2444586 (VCV002444586.3), dbSNP rs866622752, ClinGen allele CA152319883.
Genomic context (GRCh38, chr7:551,445, plus strand): 5'-TCACCGAAGTAGTCAGAGGGTCCCAGGCGCCCCACCTCCACGTACTCCTCATTGGGGGAC[C>T]GGCGCTGCAGCACGGACGCGGTGCCCTGTGGGTGGAGGTGGACAGACGTGAGTGCCAGCC-3'
Protein context (NP_001158232.1, residues 296-316): TEGTASVLQR[Arg306Gln]SPNEEYVEVG